The following is an entry in ClinVar:

NM_007117.5(TRH):c.553C>T (p.Arg185Cys)

Gene: TRH (thyrotropin releasing hormone; plus strand). Cytogenetic location: 3q22.1.
Variant type: single nucleotide variant.
Coding change: c.553C>T on transcript NM_007117.5 (MANE Select); coding-DNA position 553, C replaced by T.
Protein change: p.Arg185Cys; replaces arginine 185 with cysteine.
Molecular consequence: missense variant.
Genome position (GRCh38, 1-based): chr3:129,977,040, C>T. VCF-style: chr3-129977040-C-T. GRCh37 (hg19) VCF-style: chr3-129695883-C-T.
Other names: c.553C>T (NM_007117.4); short protein forms R185C.
Identifiers: ClinVar variation 2370753 (VCV002370753.3), dbSNP rs377735323, ClinGen allele CA2610067.

ClinVar aggregate classification (germline): Uncertain significance. Review status: criteria provided, multiple submitters, no conflicts (2 of 4 stars). 2 submissions from 2 submitters: Uncertain significance (2). Last evaluated 2025-07-17.

Conditions:
TRH-related disorder. Also called: TRH-related condition.

Allele frequency attached by ClinVar (database versions not stated): gnomAD 0.00005; gnomAD exomes 0.00005; ESP Exome Variant Server 0.00008; ExAC 0.00010.

Submissions (2):

PreventionGenetics, part of Exact Sciences
Classification: Uncertain significance for TRH-related condition. Last evaluated: 2025-07-17. Review status: criteria provided, single submitter. Criteria: ACMG Guidelines, 2015. Collection method: clinical testing. Allele origin: germline.
Comment: The TRH c.553C>T variant is predicted to result in the amino acid substitution p.Arg185Cys. To our knowledge, this variant has not been reported in the literature. This variant is reported in 0.035% of alleles in individuals of East Asian descent in gnomAD. At this time, the clinical significance of this variant is uncertain due to the absence of conclusive functional and genetic evidence.

Ambry Genetics
Classification: Uncertain significance. Last evaluated: 2021-10-05. Review status: criteria provided, single submitter. Criteria: Ambry Variant Classification Scheme 2023. Collection method: clinical testing. Allele origin: germline.